The following is an entry in ClinVar:

ClinVar aggregate classification (germline): Likely benign (1 of 4 stars; one submission).

Conditions:
Hereditary leiomyomatosis and renal cell cancer. Also called: MULTIPLE CUTANEOUS AND UTERINE LEIOMYOMATA 1, WITH OR WITHOUT RENAL CELL CARCINOMA; LEIOMYOMA, MULTIPLE CUTANEOUS; FH tumor predisposition syndrome; Reed syndrome; Multiple cutaneous and uterine leiomyomatosis; Cutaneous leiomyomata with uterine leiomyomata. Identifiers: Orphanet 523, MedGen C1708350, MONDO:0007888, OMIM 150800, HP:0007437. Disease mechanism: loss of function.

Submission:

Myriad Genetics, Inc.
Classification: Likely benign for Hereditary leiomyomatosis and renal cell cancer. Last evaluated: 2024-10-18. Review status: criteria provided, single submitter. Criteria: Myriad Autosomal Dominant, Autosomal Recessive and X-Linked Classification Criteria (2023). Collection method: clinical testing. Allele origin: unknown.
Comment: This variant is considered likely benign. This variant is intronic and is not expected to impact mRNA splicing.

NM_000143.4(FH):c.739-6T>C

Gene: FH (fumarate hydratase; minus strand). Cytogenetic location: 1q43.
Variant type: single nucleotide variant.
Coding change: c.739-6T>C on transcript NM_000143.4 (MANE Select); 6 bases into the intron before coding-DNA position 739, T replaced by C.
Molecular consequence: intron variant.
Genome position (GRCh38, 1-based): chr1:241,506,174, A>G on the plus strand (T>C on the coding strand, the complement: FH is on the minus strand). VCF-style: chr1-241506174-A-G. GRCh37 (hg19) VCF-style: chr1-241669474-A-G.
Identifiers: ClinVar variation 3773055 (VCV003773055.1).